The following is an entry in ClinVar:

NM_007294.4(BRCA1):c.4358-28T>C

Gene: BRCA1 (BRCA1 DNA repair associated; minus strand). Cytogenetic location: 17q21.31.
Variant type: single nucleotide variant.
Coding change: c.4358-28T>C on transcript NM_007294.4 (MANE Select); 28 bases into the intron before coding-DNA position 4358, T replaced by C.
Molecular consequence: intron variant.
Genome position (GRCh38, 1-based): chr17:43,076,642, A>G on the plus strand (T>C on the coding strand, the complement: BRCA1 is on the minus strand). VCF-style: chr17-43076642-A-G. GRCh37 (hg19) VCF-style: chr17-41228659-A-G.
Other names: c.932-28T>C (NM_001408420.1, NM_001408419.1, NM_001408418.1); c.1046-31T>C (NM_001408404.1, NM_001408403.1, NM_001408397.1 and 5 more transcripts); c.1046-28T>C (NM_001408472.1, NM_001407990.1, NM_001407983.1 and 9 more transcripts); c.1049-31T>C (NM_007299.4, NM_001407993.1, NM_007298.4); c.1049-28T>C (NM_001407974.1, NM_001407975.1, NM_001407976.1 and 3 more transcripts); c.1751-28T>C (NM_001407969.1); c.1754-28T>C (NM_001407968.1); c.4355-31T>C (NM_001407640.1, NM_001407641.1, NM_001407636.1 and 8 more transcripts); and 98 more.
Identifiers: ClinVar variation 2673889 (VCV002673889.4), dbSNP rs759293156, ClinGen allele CA060140.

ClinVar aggregate classification (germline): Likely benign. Review status: criteria provided, multiple submitters, no conflicts (2 of 4 stars). 2 submissions from 2 submitters: Likely benign (2). Last evaluated 2026-01-25.

Conditions:
Breast-ovarian cancer, familial, susceptibility to, 1 (BROVCA1). Also called: BRCA1 Hereditary Breast and Ovarian Cancer; OVARIAN CANCER, SUSCEPTIBILITY TO. Identifiers: Orphanet 145, MedGen C2676676, MONDO:0011450, OMIM 604370. Disease mechanism: loss of function.
Hereditary breast ovarian cancer syndrome. Also called: Hereditary breast and ovarian cancer syndrome (HBOC); Breast and ovarian cancer; Hereditary breast and/or ovarian cancer syndrome; Hereditary breast and ovarian cancer syndrome; BRCA1- and BRCA2-Associated Hereditary Breast and Ovarian Cancer; Hereditary breast and ovarian cancer. Identifiers: Orphanet 145, MedGen C0677776, MeSH D061325, MONDO:0003582. Disease mechanism: loss of function.

Allele frequency attached by ClinVar (database versions not stated): gnomAD 0.00001; gnomAD exomes 0.00001; TOPMed 0.00001; ExAC 0.00002.
gnomAD v4.1: 17 of 1,609,480 alleles (0.0011%); highest among the groups gnomAD compares: Middle Eastern, 0.082%; no homozygotes.

Submissions (2):

Labcorp Genetics (formerly Invitae), Labcorp
Classification: Likely benign for Hereditary breast ovarian cancer syndrome. Last evaluated: 2026-01-25. Review status: criteria provided, single submitter. Criteria: Invitae Variant Classification Sherloc (09022015). Collection method: clinical testing. Allele origin: germline.

Myriad Genetics, Inc.
Classification: Likely benign for Breast-ovarian cancer, familial, susceptibility to, 1. Last evaluated: 2023-11-22. Review status: criteria provided, single submitter. Criteria: Myriad Autosomal Dominant, Autosomal Recessive and X-Linked Classification Criteria (2023). Collection method: clinical testing. Allele origin: unknown.
Comment: This variant is considered likely benign. This variant is strongly associated with less severe personal and family histories of cancer, typical for individuals without pathogenic variants in this gene [PMID: 25085752].

Literature cited by the submitters: PubMed 25085752 (cited by Myriad Genetics, Inc.).